The following is an entry in ClinVar:

NM_004606.5(TAF1):c.2729T>C (p.Phe910Ser)

Gene: TAF1 (TATA-box binding protein associated factor 1; plus strand). Cytogenetic location: Xq13.1.
Variant type: single nucleotide variant.
Coding change: c.2729T>C on transcript NM_004606.5 (MANE Select); coding-DNA position 2729, T replaced by C.
Protein change: p.Phe910Ser; replaces phenylalanine 910 with serine.
Molecular consequence: missense variant. On other transcripts: non-coding transcript variant (9).
Genome position (GRCh38, 1-based): chrX:71,389,613, T>C. VCF-style: chrX-71389613-T-C. GRCh37 (hg19) VCF-style: chrX-70609463-T-C.
Other names: c.2729T>C, p.Phe910Ser (NM_001286074.2, NM_001440852.1, NM_001440853.1); c.2666T>C, p.Phe889Ser (NM_001440854.1, NM_138923.4); short protein forms F889S, F910S.
Identifiers: ClinVar variation 5010077 (VCV005010077.1).

ClinVar aggregate classification (germline): Uncertain significance (1 of 4 stars; one submission).

Submission:

GeneDx
Classification: Uncertain significance. Last evaluated: 2026-02-28. Review status: criteria provided, single submitter. Criteria: GeneDx Variant Classification Process June 2021. Collection method: clinical testing. Allele origin: germline.
Comment: Not observed at significant frequency in large population cohorts (gnomAD); In silico analysis supports that this missense variant has a deleterious effect on protein structure/function; Has not been previously published as pathogenic or benign to our knowledge